The following is an entry in ClinVar:

NM_000051.4(ATM):c.3078-2A>T

Gene: ATM (ATM serine/threonine kinase; plus strand). Cytogenetic location: 11q22.3.
Variant type: single nucleotide variant.
Coding change: c.3078-2A>T on transcript NM_000051.4 (MANE Select); the canonical splice acceptor site of the intron before coding-DNA position 3078, A replaced by T.
Molecular consequence: splice acceptor variant.
Genome position (GRCh38, 1-based): chr11:108,272,530, A>T. VCF-style: chr11-108272530-A-T. GRCh37 (hg19) VCF-style: chr11-108143257-A-T.
Other names: c.3078-2A>T (NM_001351834.2).
Identifiers: ClinVar variation 3801887 (VCV003801887.1).
Genomic context (GRCh38, chr11:108,272,530, plus strand): 5'-GAGTTTTCTGAGTGCTTTTATCAGAATGATTATTTAACTTTGGAAAACTTACTTGATTTC[A>T]GGCATCTAACAAAGGAGAGGAAATATATATTCTCTGTAAGAATGGCCCTAGTAAATTGCC-3'

ClinVar aggregate classification (germline): Likely pathogenic (1 of 4 stars; one submission).

Conditions:
Hereditary cancer-predisposing syndrome. Also called: Neoplastic Syndromes, Hereditary; Hereditary Cancer Syndrome; Tumor predisposition; Hereditary neoplastic syndrome. Identifiers: Orphanet 140162, MedGen C0027672, MeSH D009386, MONDO:0015356.

Submission:

Ambry Genetics
Classification: Likely pathogenic for Hereditary cancer-predisposing syndrome. Last evaluated: 2025-01-30. Review status: criteria provided, single submitter. Criteria: Ambry Variant Classification Scheme 2023. Collection method: clinical testing. Allele origin: germline.
Comment: The c.3078-2A>T intronic variant results from an A to T substitution two nucleotides upstream from coding exon 20 in the ATM gene. This variant is considered to be rare based on population cohorts in the Genome Aggregation Database (gnomAD). This nucleotide position is highly conserved in available vertebrate species. In silico splice site analysis predicts that this alteration will weaken the native splice acceptor site. RNA studies have demonstrated that this alteration results in abnormal splicing in the set of samples tested (Ambry internal data). Alterations that disrupt the canonical splice site are expected to cause aberrant splicing, resulting in an abnormal protein or a transcript that is subject to nonsense-mediated mRNA decay. As such, this alteration is classified as likely pathogenic.